The following is an entry in ClinVar:

NM_000282.4(PCCA):c.1141C>T (p.Pro381Ser)

Gene: PCCA (propionyl-CoA carboxylase subunit alpha; plus strand). Cytogenetic location: 13q32.3.
Variant type: single nucleotide variant.
Coding change: c.1141C>T on transcript NM_000282.4 (MANE Select); coding-DNA position 1141, C replaced by T.
Protein change: p.Pro381Ser; replaces proline 381 with serine.
Molecular consequence: missense variant. On other transcripts: non-coding transcript variant (5), intron variant (3).
Genome position (GRCh38, 1-based): chr13:100,301,535, C>T. VCF-style: chr13-100301535-C-T. GRCh37 (hg19) VCF-style: chr13-100953789-C-T.
Other names: c.1063C>T, p.Pro355Ser (NM_001127692.3, NM_001352607.2); c.1141C>T, p.Pro381Ser (NM_001178004.2, NM_001352605.2, NM_001352609.2); c.196C>T, p.Pro66Ser (NM_001352610.2, NM_001352611.2); c.1066-1389C>T (NM_001352606.2); c.121-1389C>T (NM_001352612.2); c.988-1389C>T (NM_001352608.2); short protein forms P355S, P66S, P381S.
Identifiers: ClinVar variation 1472546 (VCV001472546.6), dbSNP rs2152683965, ClinGen allele CA388695256.

ClinVar aggregate classification (germline): Uncertain significance (1 of 4 stars; one submission).

Conditions:
Propionic acidemia (PROP). Also called: GLYCINEMIA, KETOTIC; HYPERGLYCINEMIA WITH KETOACIDOSIS AND LEUKOPENIA; KETOTIC HYPERGLYCINEMIA. Identifiers: Orphanet 35, MedGen C0268579, MONDO:0011628, OMIM 606054, HP:0003571.

Submission:

Labcorp Genetics (formerly Invitae), Labcorp
Classification: Uncertain significance for Propionic acidemia. Last evaluated: 2022-02-22. Review status: criteria provided, single submitter. Criteria: Invitae Variant Classification Sherloc (09022015). Collection method: clinical testing. Allele origin: germline.
Comment: This sequence change replaces proline, which is neutral and non-polar, with serine, which is neutral and polar, at codon 381 of the PCCA protein (p.Pro381Ser). This variant is not present in population databases (gnomAD no frequency). This variant has not been reported in the literature in individuals affected with PCCA-related conditions. Advanced modeling of protein sequence and biophysical properties (such as structural, functional, and spatial information, amino acid conservation, physicochemical variation, residue mobility, and thermodynamic stability) performed at Invitae indicates that this missense variant is not expected to disrupt PCCA protein function. In summary, the available evidence is currently insufficient to determine the role of this variant in disease. Therefore, it has been classified as a Variant of Uncertain Significance.